The following is an entry in ClinVar:

NM_145290.4(ADGRA3):c.772G>A (p.Asp258Asn)

Gene: ADGRA3 (adhesion G protein-coupled receptor A3; minus strand). Cytogenetic location: 4p15.2.
Variant type: single nucleotide variant.
Coding change: c.772G>A on transcript NM_145290.4 (MANE Select); coding-DNA position 772, G replaced by A.
Protein change: p.Asp258Asn; replaces aspartic acid 258 with asparagine.
Molecular consequence: missense variant.
Genome position (GRCh38, 1-based): chr4:22,442,798, C>T on the plus strand (G>A on the coding strand, the complement: ADGRA3 is on the minus strand). VCF-style: chr4-22442798-C-T. GRCh37 (hg19) VCF-style: chr4-22444421-C-T.
Other names: short protein forms D258N.
Identifiers: ClinVar variation 3703678 (VCV003703678.2).
Genomic context (GRCh38, chr4:22,442,798, plus strand): 5'-ACCACAACACTTGCATGTCCTGATCAATATATGAAGCCATGCACTGGAAAGGAAGGCTGT[C>T]TCCTTCAAACACAACTTGGCGATGAGATGGAGTCATGTAGAAAGACGGCAATTCAAGCGG-3'
Protein context (NP_660333.2, residues 248-268): PSHRQVVFEG[Asp258Asn]SLPFQCMASY

ClinVar aggregate classification (germline): Uncertain significance (1 of 4 stars; one submission).

gnomAD v4.1: 29 of 1,612,254 alleles (0.0018%); highest among the groups gnomAD compares: Non-Finnish European, 0.0024%; no homozygotes.

Submission:

Labcorp Genetics (formerly Invitae), Labcorp
Classification: Uncertain significance. Last evaluated: 2025-01-20. Review status: criteria provided, single submitter. Criteria: Invitae Variant Classification Sherloc (09022015). Collection method: clinical testing. Allele origin: germline.
Comment: This sequence change replaces aspartic acid, which is acidic and polar, with asparagine, which is neutral and polar, at codon 258 of the ADGRA3 protein (p.Asp258Asn). This variant is present in population databases (no rsID available, gnomAD 0.003%). This variant has not been reported in the literature in individuals affected with ADGRA3-related conditions. An algorithm developed to predict the effect of missense changes on protein structure and function (PolyPhen-2) suggests that this variant is likely to be disruptive. In summary, the available evidence is currently insufficient to determine the role of this variant in disease. Therefore, it has been classified as a Variant of Uncertain Significance.